The following is an entry in ClinVar:

NM_017514.5(PLXNA3):c.491A>G (p.Lys164Arg)

Gene: PLXNA3 (plexin A3; plus strand). Cytogenetic location: Xq28.
Variant type: single nucleotide variant.
Coding change: c.491A>G on transcript NM_017514.5 (MANE Select); coding-DNA position 491, A replaced by G.
Protein change: p.Lys164Arg; replaces lysine 164 with arginine.
Molecular consequence: missense variant.
Genome position (GRCh38, 1-based): chrX:154,460,674, A>G. VCF-style: chrX-154460674-A-G. GRCh37 (hg19) VCF-style: chrX-153689014-A-G.
Other names: short protein forms K164R.
Identifiers: ClinVar variation 4982894 (VCV004982894.1).
Genomic context (GRCh38, chrX:154,460,674, plus strand): 5'-GGGCCCAGGAGCCCGACTCCATGGCTGGTGTCATTGTGGAGCAGGGCCAGGGGCCCAGCA[A>G]GCTGTTTGTGGGCACTGCTGTCGACGGCAAGTCGGAGTACTTCCCCACCTTGAGCTCCCG-3'
Protein context (NP_059984.3, residues 154-174): VIVEQGQGPS[Lys164Arg]LFVGTAVDGK

ClinVar aggregate classification (germline): Uncertain significance (1 of 4 stars; one submission).

Conditions:
PLXNA3-related disorder. Also called: PLXNA3-related condition.

Submission:

PreventionGenetics, part of Exact Sciences
Classification: Uncertain significance for PLXNA3-related condition. Last evaluated: 2025-04-10. Review status: criteria provided, single submitter. Criteria: ACMG Guidelines, 2015. Collection method: clinical testing. Allele origin: germline.
Comment: The PLXNA3 c.491A>G variant is predicted to result in the amino acid substitution p.Lys164Arg. To our knowledge, this variant has not been reported in the literature or in a large population database (gnomAD), indicating this variant is rare. At this time, the clinical significance of this variant is uncertain due to the absence of conclusive functional and genetic evidence.